The following is an entry in ClinVar:

NM_001190737.2(NFIB):c.632G>C (p.Ser211Thr)

Gene: NFIB (nuclear factor I B; minus strand). Cytogenetic location: 9p23.
Variant type: single nucleotide variant.
Coding change: c.632G>C on transcript NM_001190737.2 (MANE Select); coding-DNA position 632, G replaced by C.
Protein change: p.Ser211Thr; replaces serine 211 with threonine.
Molecular consequence: missense variant. On other transcripts: 5 prime UTR variant (1), non-coding transcript variant (4).
Genome position (GRCh38, 1-based): chr9:14,155,878, C>G on the plus strand (G>C on the coding strand, the complement: NFIB is on the minus strand). VCF-style: chr9-14155878-C-G. GRCh37 (hg19) VCF-style: chr9-14155877-C-G.
Other names: c.710G>C, p.Ser237Thr (NM_001190738.2); c.-125G>C (NM_001282787.2); c.698G>C, p.Ser233Thr (NM_001369458.1, NM_001369459.1, NM_001369462.1 and 1 more transcripts); c.620G>C, p.Ser207Thr (NM_001369460.1, NM_001369463.1, NM_001369466.1 and 2 more transcripts); c.632G>C, p.Ser211Thr (NM_001369461.1, NM_001369464.1, NM_001369471.1 and 2 more transcripts); c.605G>C, p.Ser202Thr (NM_001369465.1, NM_001369467.1, NM_001369476.1); c.488G>C, p.Ser163Thr (NM_001369469.1); c.395G>C, p.Ser132Thr (NM_001369470.1, NM_001369478.1); and 4 more; short protein forms S193T, S207T, S32T, S132T, S233T, S237T, S136T, S163T.
Identifiers: ClinVar variation 4992629 (VCV004992629.1).

ClinVar aggregate classification (germline): Uncertain significance (1 of 4 stars; one submission).

Conditions:
NFIB-related disorder. Also called: NFIB-related condition.

Submission:

PreventionGenetics, part of Exact Sciences
Classification: Uncertain significance for NFIB-related condition. Last evaluated: 2026-03-26. Review status: criteria provided, single submitter. Criteria: ACMG Guidelines, 2015. Collection method: clinical testing. Allele origin: germline.
Comment: The NFIB c.632G>C variant is predicted to result in the amino acid substitution p.Ser211Thr. To our knowledge, this variant has not been reported in the literature or in a large population database (gnomAD), indicating this variant is rare. At this time, the clinical significance of this variant is uncertain due to the absence of conclusive functional and genetic evidence.